The following is an entry in ClinVar:

ClinVar aggregate classification (germline): Uncertain significance (1 of 4 stars; one submission).

Submission:

Labcorp Genetics (formerly Invitae), Labcorp
Classification: Uncertain significance. Last evaluated: 2024-03-04. Review status: criteria provided, single submitter. Criteria: Invitae Variant Classification Sherloc (09022015). Collection method: clinical testing. Allele origin: germline.
Comment: This sequence change replaces threonine, which is neutral and polar, with alanine, which is neutral and non-polar, at codon 228 of the TLR7 protein (p.Thr228Ala). This variant is not present in population databases (gnomAD no frequency). This variant has not been reported in the literature in individuals affected with TLR7-related conditions. An algorithm developed to predict the effect of missense changes on protein structure and function (PolyPhen-2) suggests that this variant is likely to be tolerated. In summary, the available evidence is currently insufficient to determine the role of this variant in disease. Therefore, it has been classified as a Variant of Uncertain Significance.

NM_016562.4(TLR7):c.682A>G (p.Thr228Ala)

Gene: TLR7 (toll like receptor 7; plus strand). Cytogenetic location: Xp22.2.
Variant type: single nucleotide variant.
Coding change: c.682A>G on transcript NM_016562.4 (MANE Select); coding-DNA position 682, A replaced by G.
Protein change: p.Thr228Ala; replaces threonine 228 with alanine.
Molecular consequence: missense variant.
Genome position (GRCh38, 1-based): chrX:12,886,190, A>G. VCF-style: chrX-12886190-A-G. GRCh37 (hg19) VCF-style: chrX-12904309-A-G.
Other names: short protein forms T228A.
Identifiers: ClinVar variation 2791714 (VCV002791714.3), dbSNP rs2518437630, ClinGen allele CA412405369.
Genomic context (GRCh38, chrX:12,886,190, plus strand): 5'-GTGCTCTCCCTGAAAGATAACAATGTCACAGCCGTCCCTACTGTTTTGCCATCTACTTTA[A>G]CAGAACTATATCTCTACAACAACATGATTGCAAAAATCCAAGAAGATGATTTTAATAACC-3'
Protein context (NP_057646.1, residues 218-238): AVPTVLPSTL[Thr228Ala]ELYLYNNMIA